The following is an entry in ClinVar:

NM_031935.3(HMCN1):c.14635G>A (p.Val4879Ile)

Gene: HMCN1 (hemicentin 1; plus strand). Cytogenetic location: 1q31.1.
Variant type: single nucleotide variant.
Coding change: c.14635G>A on transcript NM_031935.3 (MANE Select); coding-DNA position 14635, G replaced by A.
Protein change: p.Val4879Ile; replaces valine 4879 with isoleucine.
Molecular consequence: missense variant.
Genome position (GRCh38, 1-based): chr1:186,151,226, G>A. VCF-style: chr1-186151226-G-A. GRCh37 (hg19) VCF-style: chr1-186120358-G-A.
Other names: c.14635G>A (NM_031935.2); short protein forms V4879I.
Identifiers: ClinVar variation 1486492 (VCV001486492.7), dbSNP rs747136780, ClinGen allele CA1295026.

ClinVar aggregate classification (germline): Uncertain significance. Review status: criteria provided, multiple submitters, no conflicts (2 of 4 stars). 2 submissions from 2 submitters: Uncertain significance (2). Last evaluated 2025-04-13.

Allele frequency attached by ClinVar (database versions not stated): gnomAD 0.00001; gnomAD exomes 0.00007; ExAC 0.00011.
gnomAD v4.1: 42 of 1,613,564 alleles (0.0026%); highest among the groups gnomAD compares: South Asian, 0.037%; no homozygotes.

Submissions (2):

Labcorp Genetics (formerly Invitae), Labcorp
Classification: Uncertain significance. Last evaluated: 2025-04-13. Review status: criteria provided, single submitter. Criteria: Invitae Variant Classification Sherloc (09022015). Collection method: clinical testing. Allele origin: germline.
Comment: This sequence change replaces valine, which is neutral and non-polar, with isoleucine, which is neutral and non-polar, at codon 4879 of the HMCN1 protein (p.Val4879Ile). This variant is present in population databases (rs747136780, gnomAD 0.05%). This variant has not been reported in the literature in individuals affected with HMCN1-related conditions. ClinVar contains an entry for this variant (Variation ID: 1486492). An algorithm developed to predict the effect of missense changes on protein structure and function (PolyPhen-2) suggests that this variant is likely to be disruptive. In summary, the available evidence is currently insufficient to determine the role of this variant in disease. Therefore, it has been classified as a Variant of Uncertain Significance.

Ambry Genetics
Classification: Uncertain significance. Last evaluated: 2023-10-05. Review status: criteria provided, single submitter. Criteria: Ambry Variant Classification Scheme 2023. Collection method: clinical testing. Allele origin: germline.